The following is an entry in ClinVar:

NM_130384.3(ATRIP):c.2296A>C (p.Thr766Pro)

Genes: ATRIP (ATR interacting protein; plus strand), ATRIP-TREX1 (ATRIP-TREX1 readthrough; plus strand). Cytogenetic location: 3p21.31.
Variant type: single nucleotide variant.
Coding change: c.2296A>C on transcript NM_130384.3 (MANE Select); coding-DNA position 2296, A replaced by C.
Protein change: p.Thr766Pro; replaces threonine 766 with proline.
Molecular consequence: missense variant. On other transcripts: non-coding transcript variant (1).
Genome position (GRCh38, 1-based): chr3:48,465,071, A>C. VCF-style: chr3-48465071-A-C. GRCh37 (hg19) VCF-style: chr3-48506470-A-C.
Other names: c.1915A>C, p.Thr639Pro (NM_001271022.2); c.2017A>C, p.Thr673Pro (NM_001271023.2); c.2215A>C, p.Thr739Pro (NM_032166.4); short protein forms T639P, T673P, T739P, T766P.
Identifiers: ClinVar variation 3977055 (VCV003977055.1).
Genomic context (GRCh38, chr3:48,465,071, plus strand): 5'-CATCAGTTTGACCAGGTGATGCCGGGGGTCAGCATGCTCATCCGAGGGCTTCCTGATGTG[A>C]CGGACTGTGAAGGTAAGCCTGCCAGAGGCCATCCTGCCCAGCCCCCATGGCTTCTTCCAG-3'
Protein context (NP_569055.1, residues 756-776): SMLIRGLPDV[Thr766Pro]DCEEAALDDL

ClinVar aggregate classification (germline): Uncertain significance (1 of 4 stars; one submission).

gnomAD v4.1: 2 of 1,609,382 alleles (0.00012%); highest among the groups gnomAD compares: Non-Finnish European, 0.00017%; no homozygotes.

Submission:

Ambry Genetics
Classification: Uncertain significance. Last evaluated: 2025-06-06. Review status: criteria provided, single submitter. Criteria: Ambry Variant Classification Scheme 2023. Collection method: clinical testing. Allele origin: germline.
Comment: The p.T766P variant (also known as c.2296A>C), located in coding exon 12 of the ATRIP gene, results from an A to C substitution at nucleotide position 2296. The threonine at codon 766 is replaced by proline, an amino acid with highly similar properties. This amino acid position is conserved. In addition, the in silico prediction for this alteration is inconclusive. Based on the available evidence, the clinical significance of this variant remains unclear.